The following is an entry in ClinVar:

ClinVar aggregate classification (germline): Pathogenic. Review status: criteria provided, multiple submitters, no conflicts (2 of 4 stars). 2 submissions from 2 submitters: Pathogenic (2). Last evaluated 2024-09-10.

Conditions:
Mucopolysaccharidosis, MPS-II (MPS2). Also called: Sulfoiduronate sulfatase deficiency; SIDS deficiency; Mucopolysaccharidosis type 2; Mucopolysaccharidosis with skin involvement; IDS deficiency; IDURONATE 2-SULFATASE DEFICIENCY. Identifiers: Orphanet 580, Orphanet 79388, MedGen C0026705, MONDO:0010674, OMIM 309900.

Submissions (2):

Labcorp Genetics (formerly Invitae), Labcorp
Classification: Pathogenic for Mucopolysaccharidosis, MPS-II. Last evaluated: 2024-09-10. Review status: criteria provided, single submitter. Criteria: Invitae Variant Classification Sherloc (09022015). Collection method: clinical testing. Allele origin: germline.
Comment: This sequence change creates a premature translational stop signal (p.Gln121*) in the IDS gene. It is expected to result in an absent or disrupted protein product. Loss-of-function variants in IDS are known to be pathogenic (PMID: 8940265, 9875019). This variant is not present in population databases (gnomAD no frequency). This premature translational stop signal has been observed in individual(s) with IDS-related conditions (PMID: 22976768, 28077157). ClinVar contains an entry for this variant (Variation ID: 1074140). For these reasons, this variant has been classified as Pathogenic.

Laboratory of Diagnosis and Therapy of Lysosomal Disorders, University of Padova
Classification: Pathogenic for Mucopolysaccharidosis, MPS-II. Last evaluated: 2024-06-07. Review status: criteria provided, single submitter. Criteria: ACMG Guidelines, 2015. Collection method: literature only. Allele origin: germline. Affected: yes. Observed: 6 variant alleles.
Comment: Null variant (PVS1_VeryStrong), Prevalence of the variant significantly increased in affected individuals compared with controls (PS4_Supporting), Absent from controls (or at low frequency) in gnomAD database (PM2_Moderate), Patient’s phenotype or family history highly specific for the disease (PP4_Strong)

Classification method: ACMG Guidelines [PMID:25741868] with modifications

Literature cited by the submitters: PubMed 8940265 (cited by Labcorp Genetics (formerly Invitae), Labcorp); PubMed 9875019 (cited by Labcorp Genetics (formerly Invitae), Labcorp); PubMed 22976768 (cited by Labcorp Genetics (formerly Invitae), Labcorp and Laboratory of Diagnosis and Therapy of Lysosomal Disorders, University of Padova); PubMed 28077157 (cited by Labcorp Genetics (formerly Invitae), Labcorp and Laboratory of Diagnosis and Therapy of Lysosomal Disorders, University of Padova); PubMed 33676511 (cited by Laboratory of Diagnosis and Therapy of Lysosomal Disorders, University of Padova); PubMed 34670126 (cited by Laboratory of Diagnosis and Therapy of Lysosomal Disorders, University of Padova); PubMed 36945845 (cited by Laboratory of Diagnosis and Therapy of Lysosomal Disorders, University of Padova).

NM_000202.8(IDS):c.361C>T (p.Gln121Ter)

Gene: IDS (iduronate 2-sulfatase; minus strand). Cytogenetic location: Xq28.
Variant type: single nucleotide variant.
Coding change: c.361C>T on transcript NM_000202.8 (MANE Select); coding-DNA position 361, C replaced by T.
Protein change: p.Gln121Ter; replaces glutamine 121 with a stop codon.
Molecular consequence: nonsense. On other transcripts: non-coding transcript variant (1).
Genome position (GRCh38, 1-based): chrX:149,503,369, G>A on the plus strand (C>T on the coding strand, the complement: IDS is on the minus strand). VCF-style: chrX-149503369-G-A. GRCh37 (hg19) VCF-style: chrX-148584899-G-A.
Other names: c.91C>T, p.Gln31Ter (NM_001166550.4); c.361C>T, p.Gln121Ter (NM_006123.5); short protein forms Q121*, Q31*.
Identifiers: ClinVar variation 1074140 (VCV001074140.11), dbSNP rs2124063075, ClinGen allele CA414526016.